The following is an entry in ClinVar:

NM_015910.7(WDPCP):c.2047C>A (p.Gln683Lys)

Gene: WDPCP (WD repeat containing planar cell polarity effector; minus strand). Cytogenetic location: 2p15.
Variant type: single nucleotide variant.
Coding change: c.2047C>A on transcript NM_015910.7 (MANE Select); coding-DNA position 2047, C replaced by A.
Protein change: p.Gln683Lys; replaces glutamine 683 with lysine.
Molecular consequence: missense variant. On other transcripts: non-coding transcript variant (3).
Genome position (GRCh38, 1-based): chr2:63,174,701, G>T on the plus strand (C>A on the coding strand, the complement: WDPCP is on the minus strand). VCF-style: chr2-63174701-G-T. GRCh37 (hg19) VCF-style: chr2-63401836-G-T.
Other names: c.1570C>A, p.Gln524Lys (NM_001042692.3); c.1975C>A, p.Gln659Lys (NM_001354044.2); c.2047C>A (NM_015910.5); short protein forms Q659K, Q683K, Q524K.
Identifiers: ClinVar variation 1461924 (VCV001461924.6), dbSNP rs765674630, ClinGen allele CA1682027.

ClinVar aggregate classification (germline): Uncertain significance. Review status: criteria provided, multiple submitters, no conflicts (2 of 4 stars). 3 submissions from 3 submitters: Uncertain significance (3). Last evaluated 2025-05-28.

Conditions:
Bardet-Biedl syndrome 15 (BBS15). Identifiers: Orphanet 110, MedGen C3150127, MONDO:0014443, OMIM 615992.
Heart defect - tongue hamartoma - polysyndactyly syndrome. Also called: Congenital heart defects, hamartomas of tongue, and polysyndactyly. Identifiers: Orphanet 1338, MedGen C1857587, MONDO:0009008, OMIM 217085.
WDPCP-related disorder. Also called: WDPCP-related condition.
Bardet-Biedl syndrome (BBS). Identifiers: Orphanet 110, MedGen C0752166, MONDO:0015229.

Allele frequency attached by ClinVar (database versions not stated): TOPMed below 0.00001; ExAC 0.00001; gnomAD exomes 0.00001.
gnomAD v4.1: 4 of 1,613,908 alleles (0.00025%); highest among the groups gnomAD compares: Admixed American, 0.0067%; no homozygotes.

Submissions (3):

PreventionGenetics, part of Exact Sciences
Classification: Uncertain significance for WDPCP-related condition. Last evaluated: 2025-05-28. Review status: criteria provided, single submitter. Criteria: ACMG Guidelines, 2015. Collection method: clinical testing. Allele origin: germline.
Comment: The WDPCP c.2047C>A variant is predicted to result in the amino acid substitution p.Gln683Lys. To our knowledge, this variant has not been reported in the literature. This variant is reported in 0.0087% of alleles in individuals of Latino descent in gnomAD. At this time, the clinical significance of this variant is uncertain due to the absence of conclusive functional and genetic evidence.

Fulgent Genetics
Classification: Uncertain significance for Heart defect - tongue hamartoma - polysyndactyly syndrome; Bardet-Biedl syndrome 15. Last evaluated: 2022-03-22. Review status: criteria provided, single submitter. Criteria: ACMG Guidelines, 2015. Collection method: clinical testing. Allele origin: unknown.

Labcorp Genetics (formerly Invitae), Labcorp
Classification: Uncertain significance for Bardet-Biedl syndrome. Last evaluated: 2021-08-20. Review status: criteria provided, single submitter. Criteria: Invitae Variant Classification Sherloc (09022015). Collection method: clinical testing. Allele origin: germline.